The following is an entry in ClinVar:

ClinVar aggregate classification (germline): Conflicting classifications of pathogenicity. Review status: criteria provided, conflicting classifications (1 of 4 stars). 2 submissions from 2 submitters: Uncertain significance (1); Likely benign (1). Last evaluated 2025-06-03.

Conditions:
Hereditary cancer-predisposing syndrome. Also called: Neoplastic Syndromes, Hereditary; Hereditary Cancer Syndrome; Hereditary neoplastic syndrome; Tumor predisposition. Identifiers: Orphanet 140162, MedGen C0027672, MeSH D009386, MONDO:0015356.

Allele frequency attached by ClinVar (database versions not stated): gnomAD 0.00001.
gnomAD v4.1: 1 of 1,606,978 alleles (0.000062%); highest among the groups gnomAD compares: East Asian, 0.0022%; no homozygotes.

Submissions (2):

Labcorp Genetics (formerly Invitae), Labcorp
Classification: Uncertain significance. Last evaluated: 2025-06-03. Review status: criteria provided, single submitter. Criteria: Invitae Variant Classification Sherloc (09022015). Collection method: clinical testing. Allele origin: germline.
Comment: This sequence change replaces alanine, which is neutral and non-polar, with serine, which is neutral and polar, at codon 1126 of the POLE protein (p.Ala1126Ser). This variant is not present in population databases (gnomAD no frequency). This variant has not been reported in the literature in individuals affected with POLE-related conditions. ClinVar contains an entry for this variant (Variation ID: 540748). An algorithm developed to predict the effect of missense changes on protein structure and function (PolyPhen-2) suggests that this variant is likely to be tolerated. In summary, the available evidence is currently insufficient to determine the role of this variant in disease. Therefore, it has been classified as a Variant of Uncertain Significance.

Ambry Genetics
Classification: Likely benign for Hereditary cancer-predisposing syndrome. Last evaluated: 2024-12-06. Review status: criteria provided, single submitter. Criteria: Ambry Variant Classification Scheme 2023. Collection method: clinical testing. Allele origin: germline.

NM_006231.4(POLE):c.3376G>T (p.Ala1126Ser)

Gene: POLE (DNA polymerase epsilon, catalytic subunit; minus strand). Cytogenetic location: 12q24.33.
Variant type: single nucleotide variant.
Coding change: c.3376G>T on transcript NM_006231.4 (MANE Select); coding-DNA position 3376, G replaced by T.
Protein change: p.Ala1126Ser; replaces alanine 1126 with serine.
Molecular consequence: missense variant.
Genome position (GRCh38, 1-based): chr12:132,657,870, C>A on the plus strand (G>T on the coding strand, the complement: POLE is on the minus strand). VCF-style: chr12-132657870-C-A. GRCh37 (hg19) VCF-style: chr12-133234456-C-A.
Other names: c.3376G>T (NM_006231.2); short protein forms A1126S.
Identifiers: ClinVar variation 540748 (VCV000540748.9), dbSNP rs1555225288, ClinGen allele CA387389576.
Genomic context (GRCh38, chr12:132,657,870, plus strand): 5'-TGCTCTGTCTAGCTTTCCTTGTAAACTTTTAAGAGTAGAGAACGCAACTGGCACTCACTG[C>A]TCGAATATCAAAGTCTTGAAGGGAAGAGCTCTTGAGCCATTTCCGGAGAAAGTGCTTCCT-3'
Protein context (NP_006222.2, residues 1116-1136): SSSLQDFDIR[Ala1126Ser]ILDWDYYIER